The following is an entry in ClinVar:

ClinVar aggregate classification (germline): Uncertain significance. Review status: criteria provided, multiple submitters, no conflicts (2 of 4 stars). 3 submissions from 3 submitters: Uncertain significance (3). Last evaluated 2026-01-31.

Conditions:
Hereditary cancer-predisposing syndrome. Also called: Hereditary Cancer Syndrome; Tumor predisposition; Hereditary neoplastic syndrome; Neoplastic Syndromes, Hereditary. Identifiers: Orphanet 140162, MedGen C0027672, MeSH D009386, MONDO:0015356.
Oligodontia-cancer predisposition syndrome. Also called: TOOTH AGENESIS-COLORECTAL CANCER SYNDROME. Identifiers: Orphanet 300576, MedGen C1837750, MONDO:0012075, OMIM 608615. Disease mechanism: loss of function.

Allele frequency attached by ClinVar (database versions not stated): gnomAD exomes below 0.00001.
gnomAD v4.1: 1 of 1,604,568 alleles (0.000062%); highest among the groups gnomAD compares: East Asian, 0.0022%; no homozygotes.

Submissions (3):

Labcorp Genetics (formerly Invitae), Labcorp
Classification: Uncertain significance for Oligodontia-cancer predisposition syndrome. Last evaluated: 2026-01-31. Review status: criteria provided, single submitter. Criteria: Invitae Variant Classification Sherloc (09022015). Collection method: clinical testing. Allele origin: germline.
Comment: This sequence change replaces arginine, which is basic and polar, with threonine, which is neutral and polar, at codon 574 of the AXIN2 protein (p.Arg574Thr). This variant is present in population databases (no rsID available, gnomAD 0.006%). This variant has not been reported in the literature in individuals affected with AXIN2-related conditions. ClinVar contains an entry for this variant (Variation ID: 645797). Invitae Evidence Modeling of protein sequence and biophysical properties (such as structural, functional, and spatial information, amino acid conservation, physicochemical variation, residue mobility, and thermodynamic stability) indicates that this missense variant is not expected to disrupt AXIN2 protein function with a negative predictive value of 80%. In summary, the available evidence is currently insufficient to determine the role of this variant in disease. Therefore, it has been classified as a Variant of Uncertain Significance.

Ambry Genetics
Classification: Uncertain significance for Hereditary cancer-predisposing syndrome. Last evaluated: 2024-06-15. Review status: criteria provided, single submitter. Criteria: Ambry Variant Classification Scheme 2023. Collection method: clinical testing. Allele origin: germline.
Comment: The p.R574T variant (also known as c.1721G>C), located in coding exon 6 of the AXIN2 gene, results from a G to C substitution at nucleotide position 1721. The arginine at codon 574 is replaced by threonine, an amino acid with similar properties. This amino acid position is conserved. In addition, this alteration is predicted to be tolerated by in silico analysis. Since supporting evidence is limited at this time, the clinical significance of this alteration remains unclear.

GeneDx
Classification: Uncertain significance. Last evaluated: 2020-08-03. Review status: criteria provided, single submitter. Criteria: GeneDx Variant Classification Process June 2021. Collection method: clinical testing. Allele origin: germline. Affected: yes.
Comment: Not observed at a significant frequency in large population cohorts (Lek et al., 2016); In silico analysis supports that this missense variant does not alter protein structure/function; Has not been previously published as pathogenic or benign to our knowledge

NM_004655.4(AXIN2):c.1721G>C (p.Arg574Thr)

Gene: AXIN2 (axin 2; minus strand). Cytogenetic location: 17q24.1.
Variant type: single nucleotide variant.
Coding change: c.1721G>C on transcript NM_004655.4 (MANE Select); coding-DNA position 1721, G replaced by C.
Protein change: p.Arg574Thr; replaces arginine 574 with threonine.
Molecular consequence: missense variant. On other transcripts: intron variant (1).
Genome position (GRCh38, 1-based): chr17:65,537,055, C>G on the plus strand (G>C on the coding strand, the complement: AXIN2 is on the minus strand). VCF-style: chr17-65537055-C-G. GRCh37 (hg19) VCF-style: chr17-63533173-C-G.
Other names: c.1721G>C (LRG_296t1); c.1712+269G>C (NM_001363813.1); short protein forms R574T.
Identifiers: ClinVar variation 645797 (VCV000645797.11), dbSNP rs1425391968, ClinGen allele CA400676749.
Genomic context (GRCh38, chr17:65,537,055, plus strand): 5'-GCGGGCAGGGCCAGGCCCGGCTCCGTGCCTTTCCCATTGCGTTTGGGCAAGGTACTGCCT[C>G]TGCTGCCGCTGTGGGGAACCAAGAACCACACCCAACCCAGAGACCCGGTTAAATCTCCGG-3'
Protein context (NP_004646.3, residues 564-584): TMPSEQFGGS[Arg574Thr]GSTLPKRNGK